The following is an entry in ClinVar:

NM_058216.3(RAD51C):c.410A>T (p.Gln137Leu)

Gene: RAD51C (RAD51 paralog C; plus strand). Cytogenetic location: 17q22.
Variant type: single nucleotide variant.
Coding change: c.410A>T on transcript NM_058216.3 (MANE Select); coding-DNA position 410, A replaced by T.
Protein change: p.Gln137Leu; replaces glutamine 137 with leucine.
Molecular consequence: missense variant.
Genome position (GRCh38, 1-based): chr17:58,696,698, A>T. VCF-style: chr17-58696698-A-T. GRCh37 (hg19) VCF-style: chr17-56774059-A-T.
Other names: c.410A>T (NM_058216.1); short protein forms Q137L.
Identifiers: ClinVar variation 1444141 (VCV001444141.9), dbSNP rs1555594548, ClinGen allele CA400343726.

ClinVar aggregate classification (germline): Uncertain significance. Review status: criteria provided, multiple submitters, no conflicts (2 of 4 stars). 2 submissions from 2 submitters: Uncertain significance (2). Last evaluated 2026-07-22.

Conditions:
Hereditary cancer-predisposing syndrome. Also called: Hereditary Cancer Syndrome; Tumor predisposition; Neoplastic Syndromes, Hereditary; Hereditary neoplastic syndrome. Identifiers: Orphanet 140162, MedGen C0027672, MeSH D009386, MONDO:0015356.
Fanconi anemia complementation group O. Also called: RAD51C-Related Fanconi Anemia. Identifiers: Orphanet 84, MedGen C3150653, MONDO:0013248, OMIM 613390.

Submissions (2):

Ambry Genetics
Classification: Uncertain significance for Hereditary cancer-predisposing syndrome. Last evaluated: 2026-07-22. Review status: criteria provided, single submitter. Criteria: Ambry Variant Classification Scheme 2023. Collection method: clinical testing. Allele origin: germline.
Comment: The p.Q137L variant (also known as c.410A>T), located in coding exon 3 of the RAD51C gene, results from an A to T substitution at nucleotide position 410. The glutamine at codon 137 is replaced by leucine, an amino acid with dissimilar properties. This amino acid position is highly conserved in available vertebrate species. In addition, this alteration is predicted to be deleterious by in silico analysis. Based on the available evidence, the clinical significance of this variant remains unclear.

Labcorp Genetics (formerly Invitae), Labcorp
Classification: Uncertain significance for Fanconi anemia complementation group O. Last evaluated: 2024-01-11. Review status: criteria provided, single submitter. Criteria: Invitae Variant Classification Sherloc (09022015). Collection method: clinical testing. Allele origin: germline.
Comment: This sequence change replaces glutamine, which is neutral and polar, with leucine, which is neutral and non-polar, at codon 137 of the RAD51C protein (p.Gln137Leu). This variant is not present in population databases (gnomAD no frequency). This variant has not been reported in the literature in individuals affected with RAD51C-related conditions. ClinVar contains an entry for this variant (Variation ID: 1444141). Advanced modeling of protein sequence and biophysical properties (such as structural, functional, and spatial information, amino acid conservation, physicochemical variation, residue mobility, and thermodynamic stability) performed at Invitae indicates that this missense variant is expected to disrupt RAD51C protein function with a positive predictive value of 80%. In summary, the available evidence is currently insufficient to determine the role of this variant in disease. Therefore, it has been classified as a Variant of Uncertain Significance.